The following is an entry in ClinVar:

NC_000007.13:g.(?_21779281)_(21779934_?)del

Gene: DNAH11 (dynein axonemal heavy chain 11; plus strand). Cytogenetic location: 7p15.3.
Variant type: Deletion.
Identifiers: ClinVar variation 1505136 (VCV001505136.13).

ClinVar aggregate classification (germline): Likely pathogenic (1 of 4 stars; one submission).

Conditions:
Primary ciliary dyskinesia. Also called: Ciliary dyskinesia. Identifiers: Orphanet 244, MedGen C0008780, MONDO:0016575, HP:0012265.

Submission:

Labcorp Genetics (formerly Invitae), Labcorp
Classification: Likely pathogenic for Primary ciliary dyskinesia. Last evaluated: 2022-03-03. Review status: criteria provided, single submitter. Criteria: Invitae Variant Classification Sherloc (09022015). Collection method: clinical testing. Allele origin: germline.
Comment: In summary, the currently available evidence indicates that the variant is pathogenic, but additional data are needed to prove that conclusively. Therefore, this variant has been classified as Likely Pathogenic. ClinVar contains an entry for this variant (Variation ID: 655837). This variant has not been reported in the literature in individuals affected with DNAH11-related conditions. This variant results in the deletion of part of exon 48 (c.7904_7914+643del) of the DNAH11 gene. It is expected to disrupt RNA splicing. Variants that disrupt the donor or acceptor splice site typically lead to a loss of protein function (PMID: 16199547), and loss-of-function variants in DNAH11 are known to be pathogenic (PMID: 18022865, 20513915, 22184204).

Literature cited by the submitters: PubMed 16199547; PubMed 18022865; PubMed 20513915; PubMed 22184204.